The following is an entry in ClinVar:

NM_003640.5(ELP1):c.1223_1224del (p.Val408fs)

Gene: ELP1 (elongator acetyltransferase complex subunit 1; minus strand). Cytogenetic location: 9q31.3.
Variant type: Microsatellite.
Coding change: c.1223_1224del on transcript NM_003640.5 (MANE Select); coding-DNA positions 1223 to 1224, 2 bases deleted (TG; older notation c.1223_1224delTG).
Protein change: p.Val408fs; shifts the reading frame from valine 408.
Molecular consequence: frameshift variant.
Genome position (GRCh38, 1-based): chr9:108,911,146-108,911,147, CA deleted on the plus strand (TG on the coding strand, the reverse complement: ELP1 is on the minus strand); deleting any 2 consecutive bases within chr9:108,911,146-108,911,149 gives the same sequence; the c. name uses the placement nearest the transcript's 3' end. VCF-style (leftmost placement, unchanged base first): chr9-108911145-CCA-C. GRCh37 (hg19) VCF-style: chr9-111673425-CCA-C.
Other names: c.1223_1224delTG (NM_003640.4); c.881_882del, p.Val294fs (NM_001318360.2); c.176_177del, p.Val59fs (NM_001330749.2); short protein forms V59fs, V408fs, V294fs.
Identifiers: ClinVar variation 3596285 (VCV003596285.3).

ClinVar aggregate classification (germline): Pathogenic/Likely pathogenic. Review status: criteria provided, multiple submitters, no conflicts (2 of 4 stars). 3 submissions from 3 submitters: Pathogenic (1); Likely pathogenic (2). Last evaluated 2025-01-10.

Conditions:
Familial dysautonomia. Also called: HSAN III; FD. Identifiers: Orphanet 1764, MedGen C0013364, MONDO:0009131, OMIM 223900. Disease mechanism: loss of function.
Medulloblastoma (MDB). Also called: Medulloblastoma, somatic; MEDULLOBLASTOMA PREDISPOSITION SYNDROME. Identifiers: Orphanet 616, MedGen C0025149, MeSH D008527, MONDO:0007959, OMIM 155255, HP:0002885.

Submissions (3):

Natera, Inc.
Classification: Likely pathogenic for Familial dysautonomia. Last evaluated: 2025-01-10. Review status: criteria provided, single submitter. Criteria: Natera Variant Classification Schema (03/2026). Collection method: clinical testing. Allele origin: germline.
Comment: The c.1223_1224delTG variant in ELP1 is a frameshift variant predicted to shift the reading frame beginning at codon 408 and leads to a stop codon 29 codons downstream. This variant is expected to result in nonsense mediated decay, truncation, or a dysfunctional protein product. This variant is rare in the general population with a frequency below the threshold expected for the associated phenotype(s). Given the available evidence, this variant is classified as Likely Pathogenic.

Myriad Genetics, Inc.
Classification: Pathogenic for Familial dysautonomia. Last evaluated: 2024-08-21. Review status: criteria provided, single submitter. Criteria: Myriad Autosomal Dominant, Autosomal Recessive and X-Linked Classification Criteria (2023). Collection method: clinical testing. Allele origin: unknown.
Comment: NM_003640.3(ELP1):c.1223_1224delTG(V408Gfs*29) is expected to be pathogenic in the context of familial dysautonomia. This variant is predicted to lead to an abnormal or absent protein product due to the creation of a premature termination codon in ELP1, a gene where loss-of-function variants are known to be pathogenic. Please note: this variant was assessed in the context of healthy population screening.

Fulgent Genetics
Classification: Likely pathogenic for Medulloblastoma; Familial dysautonomia. Last evaluated: 2024-03-19. Review status: criteria provided, single submitter. Criteria: ACMG Guidelines, 2015. Collection method: clinical testing. Allele origin: germline.